The following is an entry in ClinVar:

ClinVar aggregate classification (germline): Uncertain significance (1 of 4 stars; one submission).

Conditions:
Hereditary pancreatitis (PCTT). Also called: Hereditary chronic pancreatitis; PRSS1-Related Hereditary Pancreatitis. Identifiers: Orphanet 676, MedGen C0238339, MONDO:0008185, OMIM 167800.

Submission:

Ambry Genetics
Classification: Uncertain significance for Hereditary pancreatitis. Last evaluated: 2026-05-15. Review status: criteria provided, single submitter. Criteria: Ambry Variant Classification Scheme 2023. Collection method: clinical testing. Allele origin: germline.
Comment: The p.Y86D variant (also known as c.256T>G), located in coding exon 3 of the CPA1 gene, results from a T to G substitution at nucleotide position 256. The tyrosine at codon 86 is replaced by aspartic acid, an amino acid with highly dissimilar properties. This amino acid position is conserved. In addition, the in silico prediction for this alteration is inconclusive. Based on the available evidence, the clinical significance of this variant remains unclear.

NM_001868.4(CPA1):c.256T>G (p.Tyr86Asp)

Gene: CPA1 (carboxypeptidase A1; plus strand). Cytogenetic location: 7q32.2.
Variant type: single nucleotide variant.
Coding change: c.256T>G on transcript NM_001868.4 (MANE Select); coding-DNA position 256, T replaced by G.
Protein change: p.Tyr86Asp; replaces tyrosine 86 with aspartic acid.
Molecular consequence: missense variant.
Genome position (GRCh38, 1-based): chr7:130,381,738, T>G. VCF-style: chr7-130381738-T-G. GRCh37 (hg19) VCF-style: chr7-130021579-T-G.
Other names: short protein forms Y86D.
Identifiers: ClinVar variation 4869374 (VCV004869374.1).